The following is an entry in ClinVar:

NM_001429.4(EP300):c.6658C>A (p.Pro2220Thr)

Gene: EP300 (EP300 lysine acetyltransferase; plus strand). Cytogenetic location: 22q13.2.
Variant type: single nucleotide variant.
Coding change: c.6658C>A on transcript NM_001429.4 (MANE Select); coding-DNA position 6658, C replaced by A.
Protein change: p.Pro2220Thr; replaces proline 2220 with threonine.
Molecular consequence: missense variant.
Genome position (GRCh38, 1-based): chr22:41,178,369, C>A. VCF-style: chr22-41178369-C-A. GRCh37 (hg19) VCF-style: chr22-41574373-C-A.
Other names: c.6580C>A, p.Pro2194Thr (NM_001362843.2); short protein forms P2194T, P2220T.
Identifiers: ClinVar variation 4992472 (VCV004992472.1).

ClinVar aggregate classification (germline): Uncertain significance (1 of 4 stars; one submission).

Conditions:
EP300-related disorder. Also called: EP300-related condition; EP300-related disorders.

Submission:

PreventionGenetics, part of Exact Sciences
Classification: Uncertain significance for EP300-related condition. Last evaluated: 2026-02-17. Review status: criteria provided, single submitter. Criteria: ACMG Guidelines, 2015. Collection method: clinical testing. Allele origin: germline.
Comment: The EP300 c.6658C>A variant is predicted to result in the amino acid substitution p.Pro2220Thr. To our knowledge, this variant has not been reported in the literature or in a large population database (gnomAD), indicating this variant is rare. At this time, the clinical significance of this variant is uncertain due to the absence of conclusive functional and genetic evidence.